The following is an entry in ClinVar:

ClinVar aggregate classification (germline): Benign/Likely benign. Review status: criteria provided, multiple submitters, no conflicts (2 of 4 stars). 3 submissions from 3 submitters: Benign (1); Likely benign (1). 1 of the submissions does not count toward it. Last evaluated 2026-01-28.

Conditions:
PRF1-related disorder. Also called: PRF1-related condition.
Familial hemophagocytic lymphohistiocytosis 2 (FHL2). Also called: PRF1-Related Familial Hemophagocytic Lymphohistiocytosis (PRF1-fHLH). Identifiers: Orphanet 540, MedGen C1863727, MONDO:0011337, OMIM 603553.

Allele frequency attached by ClinVar (database versions not stated): gnomAD exomes 0.00007 and 0.00018; ExAC 0.00025; gnomAD 0.00084 and 0.00088; ESP Exome Variant Server 0.00085; TOPMed 0.00090; 1000 Genomes Project 30x 0.00094; 1000 Genomes Project 0.00100.
gnomAD v4.1: 237 of 1,614,156 alleles (0.015%); highest among the groups gnomAD compares: African/African-American, 0.27%; no homozygotes.

Submissions (3):

Labcorp Genetics (formerly Invitae), Labcorp
Classification: Benign for Familial hemophagocytic lymphohistiocytosis 2. Last evaluated: 2026-01-28. Review status: criteria provided, single submitter. Criteria: Invitae Variant Classification Sherloc (09022015). Collection method: clinical testing. Allele origin: germline.

Blueprint Genetics
Classification: Likely benign. Last evaluated: 2024-03-09. Review status: criteria provided, single submitter. Criteria: ACMG Guidelines, 2015. Collection method: clinical testing. Allele origin: germline.

PreventionGenetics, part of Exact Sciences
Classification: Likely benign for PRF1-related condition. Last evaluated: 2019-07-15. Review status: no assertion criteria provided. Collection method: clinical testing. Allele origin: germline. Not counted in ClinVar's aggregate classification.
Comment: This variant is classified as likely benign based on ACMG/AMP sequence variant interpretation guidelines (Richards et al. 2015 PMID: 25741868, with internal and published modifications).

NM_001083116.3(PRF1):c.615C>T (p.Asn205=)

Gene: PRF1 (perforin 1; minus strand). Cytogenetic location: 10q22.1.
Variant type: single nucleotide variant.
Coding change: c.615C>T on transcript NM_001083116.3 (MANE Select); coding-DNA position 615, C replaced by T.
Protein change: p.Asn205=; no amino-acid change (asparagine 205 retained).
Molecular consequence: synonymous variant.
Genome position (GRCh38, 1-based): chr10:70,599,106, G>A on the plus strand (C>T on the coding strand, the complement: PRF1 is on the minus strand). VCF-style: chr10-70599106-G-A. GRCh37 (hg19) VCF-style: chr10-72358862-G-A.
Other names: c.615C>T, p.Asn205= (NM_005041.6).
Identifiers: ClinVar variation 468307 (VCV000468307.15), dbSNP rs141130900, ClinGen allele CA5538962.